The following is an entry in ClinVar:

NM_001166114.2(PNPLA6):c.2922C>A (p.Gly974=)

Gene: PNPLA6 (patatin like domain 6, lysophospholipase; plus strand). Cytogenetic location: 19p13.2.
Variant type: single nucleotide variant.
Coding change: c.2922C>A on transcript NM_001166114.2 (MANE Select); coding-DNA position 2922, C replaced by A.
Protein change: p.Gly974=; no amino-acid change (glycine 974 retained).
Molecular consequence: synonymous variant.
Genome position (GRCh38, 1-based): chr19:7,555,353, C>A. VCF-style: chr19-7555353-C-A. GRCh37 (hg19) VCF-style: chr19-7620239-C-A.
Other names: c.2952C>A, p.Gly984= (NM_001166111.2); c.2727C>A, p.Gly909= (NM_001166112.2); c.2808C>A, p.Gly936= (NM_001166113.1, NM_006702.5).
Identifiers: ClinVar variation 330531 (VCV000330531.19), dbSNP rs767028461, ClinGen allele CA9140262.

ClinVar aggregate classification (germline): Conflicting classifications of pathogenicity. Review status: criteria provided, conflicting classifications (1 of 4 stars). 4 submissions from 4 submitters: Uncertain significance (1); Benign (1); Likely benign (2). Last evaluated 2026-01-01.

Conditions:
Hereditary spastic paraplegia 39 (SPG39). Also called: Spastic Paraplegia Type 39 (SPG39); SPASTIC PARAPLEGIA 39, AUTOSOMAL RECESSIVE. Identifiers: Orphanet 139480, MedGen C2677586, MONDO:0012787, OMIM 612020.

Allele frequency attached by ClinVar (database versions not stated): TOPMed 0.00010; gnomAD 0.00015 and 0.00016; gnomAD exomes 0.00023; ExAC 0.00058.
gnomAD v4.1: 165 of 1,054,056 alleles (0.016%); highest among the groups gnomAD compares: Middle Eastern, 0.021%; no homozygotes.

Submissions (4):

CeGaT Center for Human Genetics Tuebingen
Classification: Likely benign. Last evaluated: 2026-01-01. Review status: criteria provided, single submitter. Criteria: CeGaT Center For Human Genetics Tuebingen Variant Classification Criteria Version 2. Collection method: clinical testing. Allele origin: germline. Affected: yes. Observed: 1 variant allele.
Comment: PNPLA6: BP4, BP7

Labcorp Genetics (formerly Invitae), Labcorp
Classification: Benign for Hereditary spastic paraplegia 39. Last evaluated: 2025-07-03. Review status: criteria provided, single submitter. Criteria: Invitae Variant Classification Sherloc (09022015). Collection method: clinical testing. Allele origin: germline.

Blueprint Genetics
Classification: Likely benign. Last evaluated: 2024-09-03. Review status: criteria provided, single submitter. Criteria: ACMG Guidelines, 2015. Collection method: clinical testing. Allele origin: germline.

Illumina Laboratory Services, Illumina
Classification: Uncertain significance for Hereditary spastic paraplegia 39. Last evaluated: 2018-01-12. Review status: criteria provided, single submitter. Criteria: ICSL Variant Classification Criteria 13 December 2019. Collection method: clinical testing. Allele origin: germline.